The following is an entry in ClinVar:

NM_004560.4(ROR2):c.1927G>A (p.Ala643Thr)

Gene: ROR2 (receptor tyrosine kinase like orphan receptor 2; minus strand). Cytogenetic location: 9q22.31.
Variant type: single nucleotide variant.
Coding change: c.1927G>A on transcript NM_004560.4 (MANE Select); coding-DNA position 1927, G replaced by A.
Protein change: p.Ala643Thr; replaces alanine 643 with threonine.
Molecular consequence: missense variant.
Genome position (GRCh38, 1-based): chr9:91,724,567, C>T on the plus strand (G>A on the coding strand, the complement: ROR2 is on the minus strand). VCF-style: chr9-91724567-C-T. GRCh37 (hg19) VCF-style: chr9-94486849-C-T.
Other names: short protein forms A643T.
Identifiers: ClinVar variation 1305890 (VCV001305890.2), dbSNP rs771184180, ClinGen allele CA5120530.

ClinVar aggregate classification (germline): Uncertain significance (1 of 4 stars; one submission).

Allele frequency attached by ClinVar (database versions not stated): gnomAD exomes 0.00004; gnomAD 0.00005; TOPMed 0.00005.
gnomAD v4.1: 70 of 1,614,058 alleles (0.0043%); highest among the groups gnomAD compares: East Asian, 0.013%; no homozygotes.

Submission:

GeneDx
Classification: Uncertain significance. Last evaluated: 2020-10-08. Review status: criteria provided, single submitter. Criteria: GeneDx Variant Classification Process June 2021. Collection method: clinical testing. Allele origin: germline. Affected: yes.
Comment: Not observed at a significant frequency in large population cohorts (Lek et al., 2016); In silico analysis, which includes protein predictors and evolutionary conservation, supports that this variant does not alter protein structure/function; Has not been previously published as pathogenic or benign to our knowledge